The following is an entry in ClinVar:

ClinVar aggregate classification (germline): Uncertain significance. Review status: criteria provided, multiple submitters, no conflicts (2 of 4 stars). 3 submissions from 3 submitters: Uncertain significance (3). Last evaluated 2024-11-26.

Conditions:
Hereditary cancer-predisposing syndrome. Also called: Neoplastic Syndromes, Hereditary; Tumor predisposition; Hereditary Cancer Syndrome; Hereditary neoplastic syndrome. Identifiers: Orphanet 140162, MedGen C0027672, MeSH D009386, MONDO:0015356.
Ataxia-telangiectasia syndrome (AT). Also called: LOUIS-BAR SYNDROME; Cerebello-oculocutaneous telangiectasia; Immunodeficiency with ataxia telangiectasia; Ataxia-telangiectasia, complementation group D; AT, COMPLEMENTATION GROUP C; ATAXIA-TELANGIECTASIA, COMPLEMENTATION GROUP A. Identifiers: Orphanet 100, MedGen C0004135, MONDO:0008840, OMIM 208900.

Submissions (3):

Labcorp Genetics (formerly Invitae), Labcorp
Classification: Uncertain significance for Ataxia-telangiectasia syndrome. Last evaluated: 2024-11-26. Review status: criteria provided, single submitter. Criteria: Invitae Variant Classification Sherloc (09022015). Collection method: clinical testing. Allele origin: germline.
Comment: This sequence change replaces methionine, which is neutral and non-polar, with leucine, which is neutral and non-polar, at codon 1087 of the ATM protein (p.Met1087Leu). This variant is not present in population databases (gnomAD no frequency). This variant has not been reported in the literature in individuals affected with ATM-related conditions. ClinVar contains an entry for this variant (Variation ID: 1729490). Invitae Evidence Modeling of protein sequence and biophysical properties (such as structural, functional, and spatial information, amino acid conservation, physicochemical variation, residue mobility, and thermodynamic stability) indicates that this missense variant is not expected to disrupt ATM protein function with a negative predictive value of 95%. In summary, the available evidence is currently insufficient to determine the role of this variant in disease. Therefore, it has been classified as a Variant of Uncertain Significance.

Quest Diagnostics Nichols Institute San Juan Capistrano
Classification: Uncertain significance. Last evaluated: 2024-07-24. Review status: criteria provided, single submitter. Criteria: Quest Diagnostics criteria. Collection method: clinical testing. Allele origin: unknown.

Ambry Genetics
Classification: Uncertain significance for Hereditary cancer-predisposing syndrome. Last evaluated: 2024-04-19. Review status: criteria provided, single submitter. Criteria: Ambry Variant Classification Scheme 2023. Collection method: clinical testing. Allele origin: germline.
Comment: The p.M1087L variant (also known as c.3259A>C), located in coding exon 21 of the ATM gene, results from an A to C substitution at nucleotide position 3259. The methionine at codon 1087 is replaced by leucine, an amino acid with highly similar properties. This amino acid position is conserved. In addition, this alteration is predicted to be tolerated by in silico analysis. Since supporting evidence is limited at this time, the clinical significance of this alteration remains unclear.

NM_000051.4(ATM):c.3259A>C (p.Met1087Leu)

Gene: ATM (ATM serine/threonine kinase; plus strand). Cytogenetic location: 11q22.3.
Variant type: single nucleotide variant.
Coding change: c.3259A>C on transcript NM_000051.4 (MANE Select); coding-DNA position 3259, A replaced by C.
Protein change: p.Met1087Leu; replaces methionine 1087 with leucine.
Molecular consequence: missense variant.
Genome position (GRCh38, 1-based): chr11:108,272,827, A>C. VCF-style: chr11-108272827-A-C. GRCh37 (hg19) VCF-style: chr11-108143554-A-C.
Other names: c.3259A>C, p.Met1087Leu (NM_001351834.2); short protein forms M1087L.
Identifiers: ClinVar variation 1729490 (VCV001729490.6), dbSNP rs750140469, ClinGen allele CA382516115.